The following is an entry in ClinVar:

NM_201384.3(PLEC):c.8506G>C (p.Asp2836His)

Gene: PLEC (plectin; minus strand). Cytogenetic location: 8q24.3.
Variant type: single nucleotide variant.
Coding change: c.8506G>C on transcript NM_201384.3 (MANE Select); coding-DNA position 8506, G replaced by C.
Protein change: p.Asp2836His; replaces aspartic acid 2836 with histidine.
Molecular consequence: missense variant.
Genome position (GRCh38, 1-based): chr8:143,921,315, C>G on the plus strand (G>C on the coding strand, the complement: PLEC is on the minus strand). VCF-style: chr8-143921315-C-G. GRCh37 (hg19) VCF-style: chr8-144995483-C-G.
Other names: c.8587G>C, p.Asp2863His (NM_000445.5); c.8464G>C, p.Asp2822His (NM_201378.4); c.8440G>C, p.Asp2814His (NM_201379.3); c.8917G>C, p.Asp2973His (NM_201380.4); c.8410G>C, p.Asp2804His (NM_201381.3); c.8506G>C, p.Asp2836His (NM_201382.4); c.8518G>C, p.Asp2840His (NM_201383.3); short protein forms D2804H, D2814H, D2822H, D2836H, D2840H, D2863H, D2973H.
Identifiers: ClinVar variation 1021658 (VCV001021658.5), dbSNP rs200814155, ClinGen allele CA4925284.

ClinVar aggregate classification (germline): Uncertain significance (1 of 4 stars; one submission).

Conditions:
Epidermolysis bullosa simplex with nail dystrophy (EBS5D). Identifiers: MedGen C4225309, MONDO:0014661, OMIM 616487.
Epidermolysis bullosa simplex 5B, with muscular dystrophy (EBS5B). Also called: EPIDERMOLYSIS BULLOSA SIMPLEX AND LIMB-GIRDLE MUSCULAR DYSTROPHY; Epidermolysis bullosa simplex with muscular dystrophy. Identifiers: Orphanet 257, MedGen C2931072, MONDO:0009181, OMIM 226670.
Epidermolysis bullosa simplex, Ogna type (EBS5A). Also called: Pidermolysis bullosa simplex 5A, Ogna type; EPIDERMOLYSIS BULLOSA SIMPLEX 5A, OGNA TYPE. Identifiers: Orphanet 79401, MedGen C0432317, MONDO:0007555, OMIM 131950.
Epidermolysis bullosa simplex 5C, with pyloric atresia (EBS5C). Also called: PLEC-Related Epidermolysis Bullosa with Pyloric Atresia; Epidermolysis bullosa simplex with pyloric atresia; PLEC1-Related Epidermolysis Bullosa with Pyloric Atresia. Identifiers: Orphanet 158684, MedGen C2677349, MONDO:0012807, OMIM 612138.
Autosomal recessive limb-girdle muscular dystrophy type 2Q (LGMDR17). Also called: MUSCULAR DYSTROPHY, LIMB-GIRDLE, AUTOSOMAL RECESSIVE 17. Identifiers: Orphanet 254361, MedGen C3150989, MONDO:0013390, OMIM 613723.

gnomAD v4.1: 54 of 1,613,824 alleles (0.0033%); highest among the groups gnomAD compares: Non-Finnish European, 0.0046%; no homozygotes.

Submission:

Labcorp Genetics (formerly Invitae), Labcorp
Classification: Uncertain significance for Autosomal recessive limb-girdle muscular dystrophy type 2Q; Epidermolysis bullosa simplex, Ogna type; Epidermolysis bullosa simplex with nail dystrophy; Epidermolysis bullosa simplex 5C, with pyloric atresia; Epidermolysis bullosa simplex 5B, with muscular dystrophy. Last evaluated: 2023-10-03. Review status: criteria provided, single submitter. Criteria: Invitae Variant Classification Sherloc (09022015). Collection method: clinical testing. Allele origin: germline.
Comment: This sequence change replaces aspartic acid, which is acidic and polar, with histidine, which is basic and polar, at codon 2863 of the PLEC protein (p.Asp2863His). This variant is present in population databases (rs200814155, gnomAD 0.002%). This variant has not been reported in the literature in individuals affected with PLEC-related conditions. ClinVar contains an entry for this variant (Variation ID: 1021658). An algorithm developed to predict the effect of missense changes on protein structure and function (PolyPhen-2) suggests that this variant is likely to be disruptive. In summary, the available evidence is currently insufficient to determine the role of this variant in disease. Therefore, it has been classified as a Variant of Uncertain Significance.